The following is an entry in ClinVar:

NM_000460.4(THPO):c.148T>C (p.Cys50Arg)

Gene: THPO (thrombopoietin; minus strand). Cytogenetic location: 3q27.1.
Variant type: single nucleotide variant.
Coding change: c.148T>C on transcript NM_000460.4 (MANE Select); coding-DNA position 148, T replaced by C.
Protein change: p.Cys50Arg; replaces cysteine 50 with arginine.
Molecular consequence: missense variant.
Genome position (GRCh38, 1-based): chr3:184,375,595, A>G on the plus strand (T>C on the coding strand, the complement: THPO is on the minus strand). VCF-style: chr3-184375595-A-G. GRCh37 (hg19) VCF-style: chr3-184093383-A-G.
Other names: c.148T>C, p.Cys50Arg (NM_001177597.2, NM_001177598.2, NM_001289997.1 and 5 more transcripts); c.568T>C, p.Cys190Arg (NM_001290003.1); short protein forms C50R, C190R.
Identifiers: ClinVar variation 3667068 (VCV003667068.2).

ClinVar aggregate classification (germline): Uncertain significance (1 of 4 stars; one submission).

Submission:

Labcorp Genetics (formerly Invitae), Labcorp
Classification: Uncertain significance. Last evaluated: 2024-11-19. Review status: criteria provided, single submitter. Criteria: Invitae Variant Classification Sherloc (09022015). Collection method: clinical testing. Allele origin: germline.
Comment: This sequence change replaces cysteine, which is neutral and slightly polar, with arginine, which is basic and polar, at codon 50 of the THPO protein (p.Cys50Arg). This variant is not present in population databases (gnomAD no frequency). This variant has not been reported in the literature in individuals affected with THPO-related conditions. Invitae Evidence Modeling of protein sequence and biophysical properties (such as structural, functional, and spatial information, amino acid conservation, physicochemical variation, residue mobility, and thermodynamic stability) has been performed for this missense variant. However, the output from this modeling did not meet the statistical confidence thresholds required to predict the impact of this variant on THPO protein function. In summary, the available evidence is currently insufficient to determine the role of this variant in disease. Therefore, it has been classified as a Variant of Uncertain Significance.